The following is an entry in ClinVar:

Conditions:
Breast-ovarian cancer, familial, susceptibility to, 1 (BROVCA1). Also called: BRCA1 Hereditary Breast and Ovarian Cancer; OVARIAN CANCER, SUSCEPTIBILITY TO. Identifiers: Orphanet 145, MedGen C2676676, MONDO:0011450, OMIM 604370. Disease mechanism: loss of function.

Submission:

Brotman Baty Institute, University of Washington
No classification provided (evidence only). Condition: Breast-ovarian cancer, familial 1. Review status: no classification provided. Collection method: in vitro. Allele origin: not applicable. Functional consequence: functionally_normal.
ClinVar note: "not provided" was previously submitted as the classification for the variant. However, the classification appeared to be based only on an observation of functional data so it was converted to no classification on 2025-07-30.

NM_007294.4(BRCA1):c.5537A>T (p.Gln1846Leu)

Gene: BRCA1 (BRCA1 DNA repair associated; minus strand). Cytogenetic location: 17q21.31.
Variant type: single nucleotide variant.
Coding change: c.5537A>T on transcript NM_007294.4 (MANE Select); coding-DNA position 5537, A replaced by T.
Protein change: p.Gln1846Leu; replaces glutamine 1846 with leucine.
Molecular consequence: missense variant. On other transcripts: 3 prime UTR variant (1), non-coding transcript variant (1).
Genome position (GRCh38, 1-based): chr17:43,045,733, T>A on the plus strand (A>T on the coding strand, the complement: BRCA1 is on the minus strand). VCF-style: chr17-43045733-T-A. GRCh37 (hg19) VCF-style: chr17-41197750-T-A.
Other names: c.2228A>T, p.Gln743Leu (NM_001407977.1, NM_001407978.1, NM_001407973.1 and 3 more transcripts); c.2225A>T, p.Gln742Leu (NM_001407979.1, NM_001407980.1, NM_001407981.1 and 11 more transcripts); c.5327A>T, p.Gln1776Leu (NM_001407886.1, NM_001407887.1, NM_001407889.1 and 5 more transcripts); c.5324A>T, p.Gln1775Leu (NM_001407894.1, NM_001407895.1, NM_001407896.1 and 12 more transcripts); c.5321A>T, p.Gln1774Leu (NM_001407917.1, NM_001407918.1, NM_001407915.1 and 1 more transcripts); c.5285A>T, p.Gln1762Leu (NM_001407919.1); c.5273A>T, p.Gln1758Leu (NM_001407920.1, NM_001407921.1, NM_001407922.1 and 4 more transcripts); c.5198A>T, p.Gln1733Leu (NM_001407957.1, NM_001407958.1, NM_001407956.1); and 74 more; short protein forms Q1867L, Q742L, Q1799L, Q1846L, Q1692L, Q1733L, Q1734L, Q1757L.
Identifiers: ClinVar variation 864987 (VCV000864987.3), dbSNP rs2050867530, ClinGen allele CA10590248.
Genomic context (GRCh38, chr17:43,045,733, plus strand): 5'-TGCAGTCAGTAGTGGCTGTGGGGGATCTGGGGTATCAGGTAGGTGTCCAGCTCCTGGCAC[T>A]GGTAGAGTGCTACACTGTCCAACACCCACTCTCGGGTCACCACAGGTGCCTCACACATCT-3'
Protein context (NP_009225.1, residues 1836-1856): EWVLDSVALY[Gln1846Leu]CQELDTYLIP